The following is an entry in ClinVar:

NM_000348.4(SRD5A2):c.763T>C (p.Ter255Gln)

Gene: SRD5A2 (steroid 5 alpha-reductase 2; minus strand). Cytogenetic location: 2p23.1.
Variant type: single nucleotide variant.
Coding change: c.763T>C on transcript NM_000348.4 (MANE Select); coding-DNA position 763, T replaced by C.
Protein change: p.Ter255Gln.
Molecular consequence: stop lost.
Genome position (GRCh38, 1-based): chr2:31,526,198, A>G on the plus strand (T>C on the coding strand, the complement: SRD5A2 is on the minus strand). VCF-style: chr2-31526198-A-G. GRCh37 (hg19) VCF-style: chr2-31751268-A-G.
Identifiers: ClinVar variation 4850606 (VCV004850606.1).

ClinVar aggregate classification (germline): Likely pathogenic (1 of 4 stars; one submission).

Conditions:
3-Oxo-5 alpha-steroid delta 4-dehydrogenase deficiency (PPSH). Also called: PSEUDOVAGINAL PERINEOSCROTAL HYPOSPADIAS; FAMILIAL INCOMPLETE MALE PSEUDOHERMAPHRODITISM, TYPE 2; MALE PSEUDOHERMAPHRODITISM DUE TO 5-ALPHA-REDUCTASE DEFICIENCY; 46,XY disorder of sex development due to 5-alpha-reductase 2 deficiency. Identifiers: Orphanet 753, MedGen C0268297, MONDO:0009923, OMIM 264600. Disease mechanism: loss of function.

gnomAD v4.1: 6 of 1,578,022 alleles (0.00038%); highest among the groups gnomAD compares: Non-Finnish European, 0.00052%; no homozygotes.

Submission:

First Genomix Gene Laboratory, Genetic Diagnostics Department
Classification: Likely pathogenic for 3-Oxo-5 alpha-steroid delta 4-dehydrogenase deficiency. Last evaluated: 2025-12-26. Review status: criteria provided, single submitter. Criteria: ACMG Guidelines, 2015. Collection method: clinical testing. Allele origin: germline. Inheritance: Autosomal recessive inheritance. Affected: no. Observed: 1 variant allele.